The following is an entry in ClinVar:

NM_014363.6(SACS):c.4259_4263del (p.Ile1420fs)

Gene: SACS (sacsin molecular chaperone; minus strand). Cytogenetic location: 13q12.12.
Variant type: Deletion.
Coding change: c.4259_4263del on transcript NM_014363.6 (MANE Select); coding-DNA positions 4259 to 4263, 5 bases deleted (TTTTG; older notation c.4259_4263delTTTTG).
Protein change: p.Ile1420fs; shifts the reading frame from isoleucine 1420.
Molecular consequence: frameshift variant.
Genome position (GRCh38, 1-based): chr13:23,339,613-23,339,617, CAAAA deleted on the plus strand (TTTTG on the coding strand, the reverse complement: SACS is on the minus strand). VCF-style (leftmost placement, unchanged base first): chr13-23339612-CCAAAA-C. GRCh37 (hg19) VCF-style: chr13-23913751-CCAAAA-C.
Other names: c.3818_3822del, p.Ile1273fs (NM_001278055.2); short protein forms I1420fs, I1273fs.
Identifiers: ClinVar variation 837100 (VCV000837100.10), dbSNP rs1869006331, ClinGen allele CA916083351.
Genomic context (GRCh38, chr13:23,339,612, plus strand): 5'-TTGTACTAAGGCATGGAACTTTTAGCCATTCTGCAGTTTTCATGGGTATGTCCTCATGCA[CCAAAA>C]TGATTGGTTCCACAGAATCTTCAAGTAAGTCATTAAGGTCATCAACTTTAATGTCACAAT-3'

ClinVar aggregate classification (germline): Pathogenic (1 of 4 stars; one submission).

Conditions:
Spastic paraplegia. Identifiers: MedGen C0037772, HP:0001258.

Submission:

Labcorp Genetics (formerly Invitae), Labcorp
Classification: Pathogenic for Spastic paraplegia. Last evaluated: 2023-02-24. Review status: criteria provided, single submitter. Criteria: Invitae Variant Classification Sherloc (09022015). Collection method: clinical testing. Allele origin: germline.
Comment: ClinVar contains an entry for this variant (Variation ID: 837100). This variant has not been reported in the literature in individuals affected with SACS-related conditions. This variant is not present in population databases (gnomAD no frequency). This sequence change creates a premature translational stop signal (p.Ile1420Serfs*3) in the SACS gene. While this is not anticipated to result in nonsense mediated decay, it is expected to disrupt the last 3160 amino acid(s) of the SACS protein. For these reasons, this variant has been classified as Pathogenic. This variant disrupts a region of the SACS protein in which other variant(s) (p.Arg4325*, p.Glu4309*, p.Leu4303*, p.Phe4352Leufs*11) have been determined to be pathogenic (PMID: 16944349, 23497566, 26288984; Invitae). This suggests that this is a clinically significant region of the protein, and that variants that disrupt it are likely to be disease-causing.

Literature cited by the submitters: PubMed 16944349; PubMed 23497566; PubMed 26288984.